The following is an entry in ClinVar:

ClinVar aggregate classification (germline): Uncertain significance. Review status: criteria provided, multiple submitters, no conflicts (2 of 4 stars). 2 submissions from 2 submitters: Uncertain significance (2). Last evaluated 2025-10-24.

Allele frequency attached by ClinVar (database versions not stated): gnomAD exomes 0.00001.
gnomAD v4.1: 7 of 1,613,960 alleles (0.00043%); highest among the groups gnomAD compares: Admixed American, 0.0017%; no homozygotes.

Submissions (2):

Labcorp Genetics (formerly Invitae), Labcorp
Classification: Uncertain significance. Last evaluated: 2025-10-24. Review status: criteria provided, single submitter. Criteria: Invitae Variant Classification Sherloc (09022015). Collection method: clinical testing. Allele origin: germline.
Comment: This sequence change replaces proline, which is neutral and non-polar, with leucine, which is neutral and non-polar, at codon 1489 of the ARID1B protein (p.Pro1489Leu). This variant is not present in population databases (gnomAD no frequency). This variant has not been reported in the literature in individuals affected with ARID1B-related conditions. ClinVar contains an entry for this variant (Variation ID: 1981281). Invitae Evidence Modeling of protein sequence and biophysical properties (such as structural, functional, and spatial information, amino acid conservation, physicochemical variation, residue mobility, and thermodynamic stability) indicates that this missense variant is not expected to disrupt ARID1B protein function with a negative predictive value of 95%. In summary, the available evidence is currently insufficient to determine the role of this variant in disease. Therefore, it has been classified as a Variant of Uncertain Significance.

CeGaT Center for Human Genetics Tuebingen
Classification: Uncertain significance. Last evaluated: 2022-10-01. Review status: criteria provided, single submitter. Criteria: CeGaT Center For Human Genetics Tuebingen Variant Classification Criteria Version 2. Collection method: clinical testing. Allele origin: germline. Affected: yes. Observed: 1 variant allele.
Comment: ARID1B: PM2

NM_001374828.1(ARID1B):c.4835C>T (p.Pro1612Leu)

Gene: ARID1B (AT-rich interaction domain 1B; plus strand). Cytogenetic location: 6q25.3.
Variant type: single nucleotide variant.
Coding change: c.4835C>T on transcript NM_001374828.1 (MANE Select); coding-DNA position 4835, C replaced by T.
Protein change: p.Pro1612Leu; replaces proline 1612 with leucine.
Molecular consequence: missense variant.
Genome position (GRCh38, 1-based): chr6:157,201,060, C>T. VCF-style: chr6-157201060-C-T. GRCh37 (hg19) VCF-style: chr6-157522194-C-T.
Other names: c.4586C>T, p.Pro1529Leu (NM_001346813.1); c.2336C>T, p.Pro779Leu (NM_001363725.2); c.4715C>T, p.Pro1572Leu (NM_001371656.1, NM_001374820.1); c.4676C>T, p.Pro1559Leu (NM_017519.3); c.4466C>T, p.Pro1489Leu (NM_020732.3); c.4253C>T, p.Pro1418Leu (NM_175863.2); short protein forms P1559L, P1572L, P1612L, P1489L, P1418L, P1529L, P779L.
Identifiers: ClinVar variation 1981281 (VCV001981281.28), dbSNP rs1306229546, ClinGen allele CA366241763.